The following is an entry in ClinVar:

NM_000096.4(CP):c.2947T>C (p.Tyr983His)

Gene: CP (ceruloplasmin; minus strand). Cytogenetic location: 3q24.
Variant type: single nucleotide variant.
Coding change: c.2947T>C on transcript NM_000096.4 (MANE Select); coding-DNA position 2947, T replaced by C.
Protein change: p.Tyr983His; replaces tyrosine 983 with histidine.
Molecular consequence: missense variant. On other transcripts: non-coding transcript variant (1).
Genome position (GRCh38, 1-based): chr3:149,177,911, A>G on the plus strand (T>C on the coding strand, the complement: CP is on the minus strand). VCF-style: chr3-149177911-A-G. GRCh37 (hg19) VCF-style: chr3-148895698-A-G.
Other names: short protein forms Y983H.
Identifiers: ClinVar variation 2188776 (VCV002188776.4), dbSNP rs1366061971, ClinGen allele CA354929245.

ClinVar aggregate classification (germline): Uncertain significance (1 of 4 stars; one submission).

Conditions:
Deficiency of ferroxidase (ACEP). Also called: Ceruloplasmin deficiency; Familial apoceruloplasmin deficiency; Hereditary ceruloplasmin deficiency; NEURODEGENERATION WITH BRAIN IRON ACCUMULATION 10; Aceruloplasminemia; Deficiency of ceruloplasmin. Identifiers: Orphanet 48818, MedGen C0878682, MONDO:0011426, OMIM 604290, HP:0025498.

Allele frequency attached by ClinVar (database versions not stated): gnomAD exomes below 0.00001; gnomAD 0.00001; TOPMed 0.00002.
gnomAD v4.1: 3 of 1,613,498 alleles (0.00019%); highest among the groups gnomAD compares: African/African-American, 0.0027%; no homozygotes.

Submission:

Labcorp Genetics (formerly Invitae), Labcorp
Classification: Uncertain significance for Deficiency of ferroxidase. Last evaluated: 2022-05-21. Review status: criteria provided, single submitter. Criteria: Invitae Variant Classification Sherloc (09022015). Collection method: clinical testing. Allele origin: germline.
Comment: In summary, the available evidence is currently insufficient to determine the role of this variant in disease. Therefore, it has been classified as a Variant of Uncertain Significance. Advanced modeling of protein sequence and biophysical properties (such as structural, functional, and spatial information, amino acid conservation, physicochemical variation, residue mobility, and thermodynamic stability) performed at Invitae indicates that this missense variant is expected to disrupt CP protein function. This variant has not been reported in the literature in individuals affected with CP-related conditions. This variant is present in population databases (no rsID available, gnomAD 0.01%). This sequence change replaces tyrosine, which is neutral and polar, with histidine, which is basic and polar, at codon 983 of the CP protein (p.Tyr983His).